The following is an entry in ClinVar:

NM_000302.4(PLOD1):c.2057A>G (p.Asn686Ser)

Gene: PLOD1 (procollagen-lysine,2-oxoglutarate 5-dioxygenase 1; plus strand). Cytogenetic location: 1p36.22.
Variant type: single nucleotide variant.
Coding change: c.2057A>G on transcript NM_000302.4 (MANE Select); coding-DNA position 2057, A replaced by G.
Protein change: p.Asn686Ser; replaces asparagine 686 with serine.
Molecular consequence: missense variant.
Genome position (GRCh38, 1-based): chr1:11,974,681, A>G. VCF-style: chr1-11974681-A-G. GRCh37 (hg19) VCF-style: chr1-12034738-A-G.
Other names: c.2198A>G, p.Asn733Ser (NM_001316320.2); short protein forms N686S, N733S.
Identifiers: ClinVar variation 459818 (VCV000459818.10), dbSNP rs747393648, ClinGen allele CA598670.
Genomic context (GRCh38, chr1:11,974,681, plus strand): 5'-GGGAAAGGCCACTGATGCTTTCTGTCTCCCAGGGCGGGGGCTGTCGGTTCCTGCGCTACA[A>G]CTGTTCCATCCGAGCCCCAAGGAAGGGCTGGACCCTCATGCACCCTGGACGACTCACGCA-3'
Protein context (NP_000293.2, residues 676-696): EGGGCRFLRY[Asn686Ser]CSIRAPRKGW

ClinVar aggregate classification (germline): Uncertain significance. Review status: criteria provided, multiple submitters, no conflicts (2 of 4 stars). 2 submissions from 2 submitters: Uncertain significance (2). Last evaluated 2025-11-15.

Conditions:
Familial thoracic aortic aneurysm and aortic dissection (TAAD). Also called: Thoracic aortic aneurysms and dissections. Identifiers: Orphanet 91387, MedGen C4707243, MONDO:0019625.
Ehlers-Danlos syndrome, kyphoscoliotic type 1 (EDSKSCL1). Also called: EHLERS-DANLOS SYNDROME, TYPE VIA; Ehlers-Danlos syndrome, hydroxylysine-deficient; EHLERS-DANLOS SYNDROME, OCULAR-SCOLIOTIC TYPE; PLOD1-Related Kyphoscoliotic Ehlers-Danlos Syndrome. Identifiers: Orphanet 1900, MedGen C0268342, MONDO:0016002, OMIM 225400. Disease mechanism: loss of function.

Allele frequency attached by ClinVar (database versions not stated): TOPMed 0.00002; gnomAD 0.00003; gnomAD exomes 0.00003; ExAC 0.00005.
gnomAD v4.1: 12 of 1,613,522 alleles (0.00074%); highest among the groups gnomAD compares: East Asian, 0.013%; no homozygotes.

Submissions (2):

Ambry Genetics
Classification: Uncertain significance for Familial thoracic aortic aneurysm and aortic dissection. Last evaluated: 2025-11-15. Review status: criteria provided, single submitter. Criteria: Ambry Variant Classification Scheme 2023. Collection method: clinical testing. Allele origin: germline.
Comment: The p.N686S variant (also known as c.2057A>G), located in coding exon 19 of the PLOD1 gene, results from an A to G substitution at nucleotide position 2057. The asparagine at codon 686 is replaced by serine, an amino acid with highly similar properties. This amino acid position is conserved. In addition, this alteration is predicted to be tolerated by in silico analysis. Since supporting evidence is limited at this time, the clinical significance of this alteration remains unclear.

Labcorp Genetics (formerly Invitae), Labcorp
Classification: Uncertain significance for Ehlers-Danlos syndrome, kyphoscoliotic type 1. Last evaluated: 2021-08-26. Review status: criteria provided, single submitter. Criteria: Invitae Variant Classification Sherloc (09022015). Collection method: clinical testing. Allele origin: germline.
Comment: This sequence change replaces asparagine with serine at codon 686 of the PLOD1 protein (p.Asn686Ser). The asparagine residue is highly conserved and there is a small physicochemical difference between asparagine and serine. This variant is present in population databases (rs747393648, ExAC 0.07%). This variant has not been reported in the literature in individuals affected with PLOD1-related conditions. ClinVar contains an entry for this variant (Variation ID: 459818). Algorithms developed to predict the effect of missense changes on protein structure and function are either unavailable or do not agree on the potential impact of this missense change (SIFT: "Deleterious"; PolyPhen-2: "Possibly Damaging"; Align-GVGD: "Class C0"). Algorithms developed to predict the effect of sequence changes on RNA splicing suggest that this variant may create or strengthen a splice site. In summary, the available evidence is currently insufficient to determine the role of this variant in disease. Therefore, it has been classified as a Variant of Uncertain Significance.